The following is an entry in ClinVar:

ClinVar aggregate classification (germline): Uncertain significance (1 of 4 stars; one submission).

Submission:

Ambry Genetics
Classification: Uncertain significance. Last evaluated: 2024-09-13. Review status: criteria provided, single submitter. Criteria: Ambry Variant Classification Scheme 2023. Collection method: clinical testing. Allele origin: germline.
Comment: The p.T42R variant (also known as c.125C>G), located in coding exon 2 of the NPAT gene, results from a C to G substitution at nucleotide position 125. The threonine at codon 42 is replaced by arginine, an amino acid with similar properties. This amino acid position is conserved. In addition, the in silico prediction for this alteration is inconclusive. Based on the available evidence, the clinical significance of this variant remains unclear.

NM_002519.3(NPAT):c.125C>G (p.Thr42Arg)

Gene: NPAT (nuclear protein, coactivator of histone transcription; minus strand). Cytogenetic location: 11q22.3.
Variant type: single nucleotide variant.
Coding change: c.125C>G on transcript NM_002519.3 (MANE Select); coding-DNA position 125, C replaced by G.
Protein change: p.Thr42Arg; replaces threonine 42 with arginine.
Molecular consequence: missense variant.
Genome position (GRCh38, 1-based): chr11:108,197,333, G>C on the plus strand (C>G on the coding strand, the complement: NPAT is on the minus strand). VCF-style: chr11-108197333-G-C. GRCh37 (hg19) VCF-style: chr11-108068060-G-C.
Other names: c.125C>G, p.Thr42Arg (NM_001321307.1); short protein forms T42R.
Identifiers: ClinVar variation 3407214 (VCV003407214.1).